The following is an entry in ClinVar:

ClinVar aggregate classification (germline): Benign. Review status: criteria provided, multiple submitters, no conflicts (2 of 4 stars). 3 submissions from 3 submitters: Benign (3). Last evaluated 2026-02-04.

Conditions:
Combined immunodeficiency due to ORAI1 deficiency. Also called: IMMUNODEFICIENCY 9. Identifiers: Orphanet 169090, Orphanet 317428, MedGen C2748568, MONDO:0013007, OMIM 612782.
Myopathy, tubular aggregate, 2 (TAM2). Identifiers: MedGen C4014557, MONDO:0014383, OMIM 615883.

Allele frequency attached by ClinVar (database versions not stated): gnomAD exomes 0.01211 and 0.01652; ExAC 0.01801; ESP Exome Variant Server 0.02840; gnomAD 0.02920 and 0.02946; TOPMed 0.03121; 1000 Genomes Project 30x 0.04528; 1000 Genomes Project 0.04732.

Submissions (3):

Labcorp Genetics (formerly Invitae), Labcorp
Classification: Benign for Myopathy, tubular aggregate, 2; Combined immunodeficiency due to ORAI1 deficiency. Last evaluated: 2026-02-04. Review status: criteria provided, single submitter. Criteria: Invitae Variant Classification Sherloc (09022015). Collection method: clinical testing. Allele origin: germline.

GeneDx
Classification: Benign. Last evaluated: 2016-05-13. Review status: criteria provided, single submitter. Criteria: GeneDx Variant Classification (06012015). Collection method: clinical testing. Allele origin: germline. Affected: yes.
Comment: This variant is considered likely benign or benign based on one or more of the following criteria: it is a conservative change, it occurs at a poorly conserved position in the protein, it is predicted to be benign by multiple in silico algorithms, and/or has population frequency not consistent with disease.

Breakthrough Genomics
Classification: Benign. Review status: criteria provided, single submitter. Criteria: ACMG Guidelines, 2015. Collection method: not provided. Allele origin: germline. Inheritance: Autosomal recessive inheritance. Affected: yes.

NM_032790.4(ORAI1):c.705T>C (p.Ala235=)

Gene: ORAI1 (ORAI calcium release-activated calcium modulator 1; plus strand). Cytogenetic location: 12q24.31.
Variant type: single nucleotide variant.
Coding change: c.705T>C on transcript NM_032790.4 (MANE Select); coding-DNA position 705, T replaced by C.
Protein change: p.Ala235=; no amino-acid change (alanine 235 retained).
Genome position (GRCh38, 1-based): chr12:121,641,442, T>C. VCF-style: chr12-121641442-T-C. GRCh37 (hg19) VCF-style: chr12-122079348-T-C.
Identifiers: ClinVar variation 379437 (VCV000379437.12), dbSNP rs3741597, ClinGen allele CA6837547.